The following is an entry in ClinVar:

NM_000492.4(CFTR):c.3101T>C (p.Leu1034Pro)

Genes: CFTR (CF transmembrane conductance regulator; plus strand), CFTR-AS2 (CFTR antisense RNA 2; minus strand), LOC111674472 (DNase I hypersensitive sites in introns 16 and 17a of CFTR; plus strand). Cytogenetic location: 7q31.2.
Variant type: single nucleotide variant.
Coding change: c.3101T>C on transcript NM_000492.4 (MANE Select); coding-DNA position 3101, T replaced by C.
Protein change: p.Leu1034Pro; replaces leucine 1034 with proline.
Molecular consequence: missense variant.
Genome position (GRCh38, 1-based): chr7:117,610,631, T>C. VCF-style: chr7-117610631-T-C. GRCh37 (hg19) VCF-style: chr7-117250685-T-C.
Other names: short protein forms L1034P.
Identifiers: ClinVar variation 1706008 (VCV001706008.1), dbSNP rs1792369943, ClinGen allele CA368990785.

ClinVar aggregate classification (germline): Uncertain significance (1 of 4 stars; one submission).

Conditions:
Cystic fibrosis (CF). Also called: MUCOVISCIDOSIS. Identifiers: Orphanet 586, MedGen C0010674, MONDO:0009061, OMIM 219700. Disease mechanism: loss of function.

Submission:

Institute of Human Genetics, University of Leipzig Medical Center
Classification: Uncertain significance for Cystic fibrosis. Last evaluated: 2022-09-05. Review status: criteria provided, single submitter. Criteria: ACMG Guidelines, 2015. Collection method: curation. Allele origin: unknown. Affected: yes. Observed: 1 variant allele.
Comment: The variant was classified in the context of a project re-classifying variants in the German Cystic Fibrosis Registry (Muko.e.V.). Criteria applied: PM2_SUP, PP3, PP4